The following is an entry in ClinVar:

ClinVar aggregate classification (germline): Likely pathogenic (1 of 4 stars; one submission).

Conditions:
Hereditary cancer-predisposing syndrome. Also called: Hereditary neoplastic syndrome; Tumor predisposition; Neoplastic Syndromes, Hereditary; Hereditary Cancer Syndrome. Identifiers: Orphanet 140162, MedGen C0027672, MeSH D009386, MONDO:0015356.

Submission:

Sema4
Classification: Likely pathogenic for Hereditary cancer-predisposing syndrome. Last evaluated: 2021-11-22. Review status: criteria provided, single submitter. Criteria: Sema4 Curation Guidelines. Collection method: curation. Allele origin: germline.
Comment: To the best of our knowledge, the CEBPA c.342_343insATGA (p.P115MfsX56) variant has not been reported in individuals with CEBPA-related disease. This variant causes a frameshift at amino acid 115 that results in premature termination 56 amino acids downstream. Variants in this region have been associated with acute myeloid leukemia (PMID: 26162409). This variant is not reported in the population database Genome Aggregation Database (PMID: 32461654), and has not been reported in ClinVar. Based on the current evidence available, this variant is interpreted as likely pathogenic.

Literature cited by the submitters: PubMed 26162409.

NM_004364.5(CEBPA):c.342_343insATGA (p.Pro115fs)

Gene: CEBPA (CCAAT enhancer binding protein alpha; minus strand). Cytogenetic location: 19q13.11.
Variant type: Insertion.
Coding change: c.342_343insATGA on transcript NM_004364.5 (MANE Select); coding-DNA positions 342 to 343, ATGA inserted.
Protein change: p.Pro115fs; shifts the reading frame from proline 115.
Molecular consequence: frameshift variant. On other transcripts: 5 prime UTR variant (1).
Genome position: GRCh38 VCF-style: chr19-33302072-G-GTCAT. GRCh37 (hg19) VCF-style: chr19-33792978-G-GTCAT.
Other names: c.-16_-15insATGA (NM_001285829.2); c.447_448insATGA, p.Pro150fs (NM_001287424.2); c.300_301insATGA, p.Pro101fs (NM_001287435.2); short protein forms P101fs, P115fs, P150fs.
Identifiers: ClinVar variation 1692807 (VCV001692807.1), dbSNP rs2145262824, ClinGen allele CA2573156221.